The following is an entry in ClinVar:

ClinVar aggregate classification (germline): Uncertain significance (1 of 4 stars; one submission).

Conditions:
Sulfite oxidase deficiency due to molybdenum cofactor deficiency type C. Also called: Molybdenum cofactor deficiency, complementation group C; Molybdenum cofactor deficiency C. Identifiers: Orphanet 308400, Orphanet 833, MedGen C1854990, MONDO:0014212, OMIM 615501.

Submission:

Labcorp Genetics (formerly Invitae), Labcorp
Classification: Uncertain significance for Sulfite oxidase deficiency due to molybdenum cofactor deficiency type C. Last evaluated: 2023-08-07. Review status: criteria provided, single submitter. Criteria: Invitae Variant Classification Sherloc (09022015). Collection method: clinical testing. Allele origin: germline.
Comment: This sequence change replaces valine, which is neutral and non-polar, with phenylalanine, which is neutral and non-polar, at codon 666 of the GPHN protein (p.Val666Phe). This variant is not present in population databases (gnomAD no frequency). This variant has not been reported in the literature in individuals affected with GPHN-related conditions. Advanced modeling of protein sequence and biophysical properties (such as structural, functional, and spatial information, amino acid conservation, physicochemical variation, residue mobility, and thermodynamic stability) performed at Invitae indicates that this missense variant is expected to disrupt GPHN protein function. In summary, the available evidence is currently insufficient to determine the role of this variant in disease. Therefore, it has been classified as a Variant of Uncertain Significance.

NM_020806.5(GPHN):c.1996G>T (p.Val666Phe)

Genes: GPHN (gephyrin; plus strand), LOC126861970 (MED14-independent group 3 enhancer GRCh37_chr14:67634697-67635896; plus strand). Cytogenetic location: 14q23.3.
Variant type: single nucleotide variant.
Coding change: c.1996G>T on transcript NM_020806.5 (MANE Select); coding-DNA position 1996, G replaced by T.
Protein change: p.Val666Phe; replaces valine 666 with phenylalanine.
Molecular consequence: missense variant.
Genome position (GRCh38, 1-based): chr14:67,168,953, G>T. VCF-style: chr14-67168953-G-T. GRCh37 (hg19) VCF-style: chr14-67635670-G-T.
Other names: c.1897G>T, p.Val633Phe (NM_001024218.2); c.2056G>T, p.Val686Phe (NM_001377514.1); c.2026G>T, p.Val676Phe (NM_001377515.1); c.2017G>T, p.Val673Phe (NM_001377516.1); c.1969G>T, p.Val657Phe (NM_001377517.1); c.1954G>T, p.Val652Phe (NM_001377518.1); c.1936G>T, p.Val646Phe (NM_001377519.1); short protein forms V652F, V633F, V646F, V657F, V666F, V673F, V676F, V686F.
Identifiers: ClinVar variation 2750955 (VCV002750955.3), dbSNP rs766402125, ClinGen allele CA390121939.